The following is an entry in ClinVar:

ClinVar aggregate classification (germline): Pathogenic (1 of 4 stars; one submission).

Conditions:
Werner syndrome (WRN). Identifiers: Orphanet 902, MedGen C0043119, MONDO:0010196, OMIM 277700.

Submission:

Labcorp Genetics (formerly Invitae), Labcorp
Classification: Pathogenic for Werner syndrome. Last evaluated: 2023-05-28. Review status: criteria provided, single submitter. Criteria: Invitae Variant Classification Sherloc (09022015). Collection method: clinical testing. Allele origin: germline.
Comment: This variant is not present in population databases (gnomAD no frequency). For these reasons, this variant has been classified as Pathogenic. This variant has not been reported in the literature in individuals affected with WRN-related conditions. This sequence change creates a premature translational stop signal (p.Glu675*) in the WRN gene. It is expected to result in an absent or disrupted protein product. Loss-of-function variants in WRN are known to be pathogenic (PMID: 16673358).

Literature cited by the submitters: PubMed 16673358.

NM_000553.6(WRN):c.2023G>T (p.Glu675Ter)

Gene: WRN (WRN RecQ like helicase; plus strand). Cytogenetic location: 8p12.
Variant type: single nucleotide variant.
Coding change: c.2023G>T on transcript NM_000553.6 (MANE Select); coding-DNA position 2023, G replaced by T.
Protein change: p.Glu675Ter; replaces glutamic acid 675 with a stop codon.
Molecular consequence: nonsense.
Genome position (GRCh38, 1-based): chr8:31,100,890, G>T. VCF-style: chr8-31100890-G-T. GRCh37 (hg19) VCF-style: chr8-30958406-G-T.
Other names: short protein forms E675*.
Identifiers: ClinVar variation 2727616 (VCV002727616.3), dbSNP rs758232075, ClinGen allele CA370908464.